The following is an entry in ClinVar:

ClinVar aggregate classification (germline): Uncertain significance (1 of 4 stars; one submission).

Conditions:
Inborn genetic diseases. Identifiers: MedGen C0950123, MeSH D030342.

Submission:

Ambry Genetics
Classification: Uncertain significance for Inborn genetic diseases. Last evaluated: 2025-08-04. Review status: criteria provided, single submitter. Criteria: Ambry Variant Classification Scheme 2023. Collection method: clinical testing. Allele origin: germline.
Comment: The p.A797S variant (also known as c.2389G>T), located in coding exon 12 of the BMPR2 gene, results from a G to T substitution at nucleotide position 2389. The alanine at codon 797 is replaced by serine, an amino acid with similar properties. This amino acid position is conserved. In addition, the in silico prediction for this alteration is inconclusive. Based on the available evidence, the clinical significance of this variant remains unclear.

NM_001204.7(BMPR2):c.2389G>T (p.Ala797Ser)

Gene: BMPR2 (bone morphogenetic protein receptor type 2; plus strand). Cytogenetic location: 2q33.2.
Variant type: single nucleotide variant.
Coding change: c.2389G>T on transcript NM_001204.7 (MANE Select); coding-DNA position 2389, G replaced by T.
Protein change: p.Ala797Ser; replaces alanine 797 with serine.
Molecular consequence: missense variant.
Genome position (GRCh38, 1-based): chr2:202,556,054, G>T. VCF-style: chr2-202556054-G-T. GRCh37 (hg19) VCF-style: chr2-203420777-G-T.
Other names: short protein forms A797S.
Identifiers: ClinVar variation 4214480 (VCV004214480.1).